The following is an entry in ClinVar:

ClinVar aggregate classification (germline): Uncertain significance (1 of 4 stars; one submission).

Conditions:
Maple syrup urine disease (MSUD). Identifiers: Orphanet 511, MedGen C0024776, MeSH D008375, MONDO:0009563. Disease mechanism: loss of function.

Submission:

Labcorp Genetics (formerly Invitae), Labcorp
Classification: Uncertain significance for Maple syrup urine disease. Last evaluated: 2021-12-31. Review status: criteria provided, single submitter. Criteria: Invitae Variant Classification Sherloc (09022015). Collection method: clinical testing. Allele origin: germline.
Comment: This sequence change replaces proline, which is neutral and non-polar, with arginine, which is basic and polar, at codon 58 of the BCKDHB protein (p.Pro58Arg). This variant is not present in population databases (gnomAD no frequency). This variant has not been reported in the literature in individuals affected with BCKDHB-related conditions. In summary, the available evidence is currently insufficient to determine the role of this variant in disease. Therefore, it has been classified as a Variant of Uncertain Significance. Algorithms developed to predict the effect of missense changes on protein structure and function are either unavailable or do not agree on the potential impact of this missense change (SIFT: "Tolerated"; PolyPhen-2: "Possibly Damaging"; Align-GVGD: "Class C0").

NM_183050.4(BCKDHB):c.173C>G (p.Pro58Arg)

Gene: BCKDHB (branched chain keto acid dehydrogenase E1 subunit beta; plus strand). Cytogenetic location: 6q14.1.
Variant type: single nucleotide variant.
Coding change: c.173C>G on transcript NM_183050.4 (MANE Select); coding-DNA position 173, C replaced by G.
Protein change: p.Pro58Arg; replaces proline 58 with arginine.
Molecular consequence: missense variant. On other transcripts: non-coding transcript variant (1), intron variant (1).
Genome position (GRCh38, 1-based): chr6:80,106,866, C>G. VCF-style: chr6-80106866-C-G. GRCh37 (hg19) VCF-style: chr6-80816583-C-G.
Other names: c.173C>G, p.Pro58Arg (NM_000056.5); c.-15+183C>G (NM_001318975.1); short protein forms P58R.
Identifiers: ClinVar variation 2012231 (VCV002012231.4), dbSNP rs1466070200, ClinGen allele CA364658409.
Genomic context (GRCh38, chr6:80,106,866, plus strand): 5'-CCGCCGCGACTGTCGAGGATGCGGCCCAGAGGCGGCAGGTGGCTCATTTTACTTTCCAGC[C>G]AGATCCGGAGCCCCGGGAGTACGGTGAGCCCTGGGACTGCCCACTCGGTCCCGCTGCAGC-3'
Protein context (NP_898871.1, residues 48-68): RRQVAHFTFQ[Pro58Arg]DPEPREYGQT